The following is an entry in ClinVar:

NM_000235.4(LIPA):c.662A>G (p.Asp221Gly)

Gene: LIPA (lipase A, lysosomal acid type; minus strand). Cytogenetic location: 10q23.31.
Variant type: single nucleotide variant.
Coding change: c.662A>G on transcript NM_000235.4 (MANE Select); coding-DNA position 662, A replaced by G.
Protein change: p.Asp221Gly; replaces aspartic acid 221 with glycine.
Molecular consequence: missense variant.
Genome position (GRCh38, 1-based): chr10:89,225,105, T>C on the plus strand (A>G on the coding strand, the complement: LIPA is on the minus strand). VCF-style: chr10-89225105-T-C. GRCh37 (hg19) VCF-style: chr10-90984862-T-C.
Other names: p.Asp221Gly; c.662A>G, p.Asp221Gly (NM_001127605.3); c.314A>G, p.Asp105Gly (NM_001288979.2); short protein forms D221G, D105G.
Identifiers: ClinVar variation 568571 (VCV000568571.28), dbSNP rs145163592, ClinGen allele CA5593658.

ClinVar aggregate classification (germline): Conflicting classifications of pathogenicity. Review status: criteria provided, conflicting classifications (1 of 4 stars). 6 submissions from 6 submitters: Uncertain significance (4); Likely benign (2). Last evaluated 2026-06-04.

Conditions:
LIPA-related disorder. Also called: LIPA-related disorders; LIPA-related condition.
Wolman disease (WOLD). Also called: LYSOSOMAL ACID LIPASE DEFICIENCY, ACUTE INFANTILE; LYSOSOMAL ACID LIPASE DEFICIENCY, COMPLETE; LIPA DEFICIENCY, COMPLETE; LAL DEFICIENCY, COMPLETE; CHOLESTEROL ESTER HYDROLASE DEFICIENCY, COMPLETE; Infantile-Onset LAL-D (Wolman Disease). Identifiers: Orphanet 75233, MedGen C0043208, MONDO:0019148, OMIM 620151.
Lysosomal acid lipase deficiency. Also called: Acid cholesteryl ester hydrolase deficiency, type 2. Identifiers: Orphanet 275761, MedGen C5574740, MONDO:0800449, MONDO:0010204.
Cardiovascular phenotype. Identifiers: MedGen CN230736.

Allele frequency attached by ClinVar (database versions not stated): gnomAD exomes 0.00012 and 0.00024; gnomAD 0.00014 and 0.00015; TOPMed 0.00017; ExAC 0.00020; ESP Exome Variant Server 0.00031.
gnomAD v4.1: 218 of 1,613,904 alleles (0.014%); highest among the groups gnomAD compares: Middle Eastern, 0.033%; no homozygotes.

Submissions (10):

PreventionGenetics, part of Exact Sciences
Classification: Uncertain significance for LIPA-related condition. Last evaluated: 2026-06-04. Review status: criteria provided, single submitter. Criteria: ACMG Guidelines, 2015. Collection method: clinical testing. Allele origin: germline.
Comment: The LIPA c.662A>G variant is predicted to result in the amino acid substitution p.Asp221Gly. To our knowledge, this variant has not been reported in the literature. This variant is reported in 0.43% of alleles in individuals of Ashkenazi Jewish descent in gnomAD, which is likely too frequent for a disease-causing variant. Although we suspect that this variant may be benign, at this time, the clinical significance of this variant is uncertain due to the absence of conclusive functional and genetic evidence.

Labcorp Genetics (formerly Invitae), Labcorp
Classification: Likely benign for Wolman disease. Last evaluated: 2026-01-16. Review status: criteria provided, single submitter. Criteria: Invitae Variant Classification Sherloc (09022015). Collection method: clinical testing. Allele origin: germline.

Mayo Clinic Laboratories, Mayo Clinic
Classification: Likely benign. Last evaluated: 2025-05-12. Review status: criteria provided, single submitter. Criteria: ACMG Guidelines, 2015. Collection method: clinical testing. Allele origin: germline. Observed: 3 variant alleles.
Comment: BS1, BP4_moderate

Ambry Genetics
Classification: Uncertain significance for Cardiovascular phenotype. Last evaluated: 2024-04-27. Review status: criteria provided, single submitter. Criteria: Ambry Variant Classification Scheme 2023. Collection method: clinical testing. Allele origin: germline.
Comment: The p.D221G variant (also known as c.662A>G), located in coding exon 5 of the LIPA gene, results from an A to G substitution at nucleotide position 662. The aspartic acid at codon 221 is replaced by glycine, an amino acid with similar properties. This amino acid position is not well conserved in available vertebrate species. In addition, this alteration is predicted to be tolerated by in silico analysis. Since supporting evidence is limited at this time, the clinical significance of this alteration remains unclear.

Illumina Laboratory Services, Illumina
Classification: Uncertain significance for Cholesteryl ester storage disease. Last evaluated: 2018-01-13. Review status: criteria provided, single submitter. Criteria: ICSL Variant Classification Criteria 13 December 2019. Collection method: clinical testing. Allele origin: germline.

Eurofins Ntd Llc (ga)
Classification: Uncertain significance. Last evaluated: 2017-12-05. Review status: criteria provided, single submitter. Criteria: EGL Classification Definitions 2015. Collection method: clinical testing. Allele origin: germline. Observed: 2 variant alleles, 2 heterozygotes.

Dr. Peter K. Rogan Lab, Western University
No classification provided (evidence only). Condition: Malignant tumor of urinary bladder. Review status: no classification provided. Collection method: in vitro. Allele origin: not applicable. Functional consequence: retained intron. Not counted in ClinVar's aggregate classification.

Dr. Peter K. Rogan Lab, Western University
No classification provided (evidence only). Condition: Clear cell carcinoma of kidney. Review status: no classification provided. Collection method: in vitro. Allele origin: not applicable. Functional consequence: retained intron. Not counted in ClinVar's aggregate classification.

Dr. Peter K. Rogan Lab, Western University
No classification provided (evidence only). Condition: Sarcoma. Review status: no classification provided. Collection method: in vitro. Allele origin: not applicable. Functional consequence: retained intron. Not counted in ClinVar's aggregate classification.

Dr. Peter K. Rogan Lab, Western University
No classification provided (evidence only). Condition: Adrenocortical carcinoma, hereditary. Review status: no classification provided. Collection method: in vitro. Allele origin: not applicable. Functional consequence: retained intron. Not counted in ClinVar's aggregate classification.